The following is an entry in ClinVar:

ClinVar aggregate classification (germline): Uncertain significance (1 of 4 stars; one submission).

Submission:

CeGaT Center for Human Genetics Tuebingen
Classification: Uncertain significance. Last evaluated: 2026-02-01. Review status: criteria provided, single submitter. Criteria: CeGaT Center For Human Genetics Tuebingen Variant Classification Criteria Version 2. Collection method: clinical testing. Allele origin: germline. Affected: yes. Observed: 1 variant allele.
Comment: AKT1: PM2, BP4

NM_001382430.1(AKT1):c.-4C>A

Gene: AKT1 (AKT serine/threonine kinase 1; minus strand). Cytogenetic location: 14q32.33.
Variant type: single nucleotide variant.
Coding change: c.-4C>A on transcript NM_001382430.1 (MANE Select); 4 bases upstream of the start codon, C replaced by A.
Molecular consequence: 5 prime UTR variant.
Genome position (GRCh38, 1-based): chr14:104,792,647, G>T on the plus strand (C>A on the coding strand, the complement: AKT1 is on the minus strand). VCF-style: chr14-104792647-G-T. GRCh37 (hg19) VCF-style: chr14-105258984-G-T.
Other names: c.-4C>A (NM_001014431.2, NM_001014432.2, NM_001382431.1 and 3 more transcripts).
Identifiers: ClinVar variation 4823382 (VCV004823382.4).